The following is an entry in ClinVar:

ClinVar aggregate classification (germline): Likely benign. Review status: criteria provided, multiple submitters, no conflicts (2 of 4 stars). 2 submissions from 2 submitters: Likely benign (2). Last evaluated 2026-06-01.

Allele frequency attached by ClinVar (database versions not stated): gnomAD exomes 0.00011; gnomAD 0.00716.

Submissions (2):

CeGaT Center for Human Genetics Tuebingen
Classification: Likely benign. Last evaluated: 2026-06-01. Review status: criteria provided, single submitter. Criteria: CeGaT Center For Human Genetics Tuebingen Variant Classification Criteria Version 2. Collection method: clinical testing. Allele origin: germline. Affected: yes. Observed: 2 variant alleles.
Comment: DRD4: BP4, BP7

Labcorp Genetics (formerly Invitae), Labcorp
Classification: Likely benign. Last evaluated: 2017-05-30. Review status: criteria provided, single submitter. Criteria: Invitae Variant Classification Sherloc (09022015). Collection method: clinical testing. Allele origin: germline.

NM_000797.4(DRD4):c.744A>C (p.Pro248=)

Gene: DRD4 (dopamine receptor D4; plus strand). Cytogenetic location: 11p15.5.
Variant type: single nucleotide variant.
Coding change: c.744A>C on transcript NM_000797.4 (MANE Select); coding-DNA position 744, A replaced by C.
Protein change: p.Pro248=; no amino-acid change (proline 248 retained).
Molecular consequence: synonymous variant.
Genome position (GRCh38, 1-based): chr11:639,993, A>C. VCF-style: chr11-639993-A-C. GRCh37 (hg19) VCF-style: chr11-639993-A-C.
Identifiers: ClinVar variation 771438 (VCV000771438.17), dbSNP rs866164050, ClinGen allele CA216943536.